The following is an entry in ClinVar:

ClinVar aggregate classification (germline): Uncertain significance (1 of 4 stars; one submission).

Submission:

Labcorp Genetics (formerly Invitae), Labcorp
Classification: Uncertain significance. Last evaluated: 2022-01-19. Review status: criteria provided, single submitter. Criteria: Invitae Variant Classification Sherloc (09022015). Collection method: clinical testing. Allele origin: germline.
Comment: In summary, the available evidence is currently insufficient to determine the role of this variant in disease. Therefore, it has been classified as a Variant of Uncertain Significance. Algorithms developed to predict the effect of missense changes on protein structure and function are either unavailable or do not agree on the potential impact of this missense change (SIFT: "Tolerated"; PolyPhen-2: "Probably Damaging"; Align-GVGD: "Class C0"). This variant has not been reported in the literature in individuals affected with HPS3-related conditions. This variant is not present in population databases (gnomAD no frequency). This sequence change replaces cysteine, which is neutral and slightly polar, with phenylalanine, which is neutral and non-polar, at codon 138 of the HPS3 protein (p.Cys138Phe).

NM_032383.5(HPS3):c.413G>T (p.Cys138Phe)

Gene: HPS3 (HPS3 biogenesis of lysosomal organelles complex 2 subunit 1; plus strand). Cytogenetic location: 3q24.
Variant type: single nucleotide variant.
Coding change: c.413G>T on transcript NM_032383.5 (MANE Select); coding-DNA position 413, G replaced by T.
Protein change: p.Cys138Phe; replaces cysteine 138 with phenylalanine.
Molecular consequence: missense variant. On other transcripts: intron variant (1).
Genome position (GRCh38, 1-based): chr3:149,140,199, G>T. VCF-style: chr3-149140199-G-T. GRCh37 (hg19) VCF-style: chr3-148857986-G-T.
Other names: c.218-818G>T (NM_001308258.2); short protein forms C138F.
Identifiers: ClinVar variation 2088154 (VCV002088154.4), dbSNP rs1722352731, ClinGen allele CA354911503.